The following is an entry in ClinVar:

NM_000245.4(MET):c.1848G>C (p.Glu616Asp)

Gene: MET (MET proto-oncogene, receptor tyrosine kinase; plus strand). Cytogenetic location: 7q31.2.
Variant type: single nucleotide variant.
Coding change: c.1848G>C on transcript NM_000245.4 (MANE Select); coding-DNA position 1848, G replaced by C.
Protein change: p.Glu616Asp; replaces glutamic acid 616 with aspartic acid.
Molecular consequence: missense variant.
Genome position (GRCh38, 1-based): chr7:116,755,501, G>C. VCF-style: chr7-116755501-G-C. GRCh37 (hg19) VCF-style: chr7-116395555-G-C.
Other names: c.1848G>C, p.Glu616Asp (NM_001127500.3, NM_001324401.3); c.558G>C, p.Glu186Asp (NM_001324402.2); short protein forms E186D, E616D.
Identifiers: ClinVar variation 1374190 (VCV001374190.6), dbSNP rs2116910921, ClinGen allele CA368978307.
Genomic context (GRCh38, chr7:116,755,501, plus strand): 5'-TGATTTAAAGAAAACTAGAGTTCTCCTTGGAAATGAGAGCTGCACCTTGACTTTAAGTGA[G>C]AGCACGATGAATACGTAAGGATCTTAAAATGCTTTGCTGGGGTGTGCTTGGAAAATAGGT-3'
Protein context (NP_000236.2, residues 606-626): GNESCTLTLS[Glu616Asp]STMNTLKCTV

ClinVar aggregate classification (germline): Uncertain significance (1 of 4 stars; one submission).

Conditions:
Renal cell carcinoma. Identifiers: Orphanet 217071, MedGen C0007134, MeSH D002292, MONDO:0005086, HP:0005584.

gnomAD v4.1: 2 of 1,614,118 alleles (0.00012%); highest among the groups gnomAD compares: South Asian, 0.0011%; no homozygotes.

Submission:

Labcorp Genetics (formerly Invitae), Labcorp
Classification: Uncertain significance for Renal cell carcinoma. Last evaluated: 2021-08-11. Review status: criteria provided, single submitter. Criteria: Invitae Variant Classification Sherloc (09022015). Collection method: clinical testing. Allele origin: germline.
Comment: In summary, the available evidence is currently insufficient to determine the role of this variant in disease. Therefore, it has been classified as a Variant of Uncertain Significance. Algorithms developed to predict the effect of missense changes on protein structure and function (SIFT, PolyPhen-2, Align-GVGD) all suggest that this variant is likely to be tolerated. This variant has not been reported in the literature in individuals affected with MET-related conditions. This variant is not present in population databases (ExAC no frequency). This sequence change replaces glutamic acid with aspartic acid at codon 616 of the MET protein (p.Glu616Asp). The glutamic acid residue is moderately conserved and there is a small physicochemical difference between glutamic acid and aspartic acid.